The following is an entry in ClinVar:

ClinVar aggregate classification (germline): Conflicting classifications of pathogenicity. Review status: criteria provided, conflicting classifications (1 of 4 stars). 2 submissions from 2 submitters: Uncertain significance (1); Likely benign (1). Last evaluated 2024-06-13.

Conditions:
Intellectual developmental disorder, autosomal dominant 1. Also called: MBD5 Haploinsufficiency; Intellectual disability, autosomal dominant 1. Identifiers: Orphanet 228402, MedGen C1969562, MONDO:0007974, OMIM 156200.
Inborn genetic diseases. Identifiers: MedGen C0950123, MeSH D030342.

Allele frequency attached by ClinVar (database versions not stated): gnomAD 0.00003; ExAC 0.00004.
gnomAD v4.1: 8 of 1,614,070 alleles (0.0005%); highest among the groups gnomAD compares: East Asian, 0.018%; no homozygotes.

Submissions (2):

Labcorp Genetics (formerly Invitae), Labcorp
Classification: Uncertain significance for Intellectual developmental disorder, autosomal dominant 1. Last evaluated: 2024-06-13. Review status: criteria provided, single submitter. Criteria: Invitae Variant Classification Sherloc (09022015). Collection method: clinical testing. Allele origin: germline.
Comment: This sequence change replaces proline, which is neutral and non-polar, with histidine, which is basic and polar, at codon 1051 of the MBD5 protein (p.Pro1051His). This variant is present in population databases (rs761872951, gnomAD 0.04%). This variant has not been reported in the literature in individuals affected with MBD5-related conditions. Advanced modeling of protein sequence and biophysical properties (such as structural, functional, and spatial information, amino acid conservation, physicochemical variation, residue mobility, and thermodynamic stability) performed at Invitae indicates that this missense variant is not expected to disrupt MBD5 protein function with a negative predictive value of 80%. In summary, the available evidence is currently insufficient to determine the role of this variant in disease. Therefore, it has been classified as a Variant of Uncertain Significance.

Ambry Genetics
Classification: Likely benign for Inborn genetic diseases. Last evaluated: 2024-03-18. Review status: criteria provided, single submitter. Criteria: Ambry Variant Classification Scheme 2023. Collection method: clinical testing. Allele origin: germline.

NM_001378120.1(MBD5):c.3851C>A (p.Pro1284His)

Gene: MBD5 (methyl-CpG binding domain protein 5; plus strand). Cytogenetic location: 2q23.1.
Variant type: single nucleotide variant.
Coding change: c.3851C>A on transcript NM_001378120.1 (MANE Select); coding-DNA position 3851, C replaced by A.
Protein change: p.Pro1284His; replaces proline 1284 with histidine.
Molecular consequence: missense variant.
Genome position (GRCh38, 1-based): chr2:148,489,483, C>A. VCF-style: chr2-148489483-C-A. GRCh37 (hg19) VCF-style: chr2-149247052-C-A.
Other names: c.3152C>A, p.Pro1051His (NM_018328.5); short protein forms P1051H, P1284H.
Identifiers: ClinVar variation 3293509 (VCV003293509.3), dbSNP rs761872951.
Genomic context (GRCh38, chr2:148,489,483, plus strand): 5'-GAATAAGCACTCAGCCTGGGCTCACAGCACTTCCTGAGAATCCAAACACTACACTTCCAC[C>A]TTTTCAAGATACACCTTGTGAGTTGCAACCGAGGATTGACCCATCTCTTGGTCAACAGGT-3'
Protein context (NP_001365049.1, residues 1274-1294): LPENPNTTLP[Pro1284His]FQDTPCELQP